The following is an entry in ClinVar:

ClinVar aggregate classification (germline): Likely benign (1 of 4 stars; one submission).

Submission:

CeGaT Center for Human Genetics Tuebingen
Classification: Likely benign. Last evaluated: 2024-05-01. Review status: criteria provided, single submitter. Criteria: CeGaT Center For Human Genetics Tuebingen Variant Classification Criteria Version 2. Collection method: clinical testing. Allele origin: germline. Affected: yes. Observed: 2 variant alleles.
Comment: SHANK3: PM2:Supporting, BP4, BP7

NM_001372044.2(SHANK3):c.2697G>C (p.Pro899=)

Gene: SHANK3 (SH3 and multiple ankyrin repeat domains 3; plus strand). Cytogenetic location: 22q13.33.
Variant type: single nucleotide variant.
Coding change: c.2697G>C on transcript NM_001372044.2 (MANE Select); coding-DNA position 2697, G replaced by C.
Protein change: p.Pro899=; no amino-acid change (proline 899 retained).
Molecular consequence: synonymous variant.
Genome position (GRCh38, 1-based): chr22:50,720,305, G>C. VCF-style: chr22-50720305-G-C. GRCh37 (hg19) VCF-style: chr22-51158733-G-C.
Other names: c.2472G>C, p.Pro824= (NM_033517.1).
Identifiers: ClinVar variation 2653419 (VCV002653419.24), dbSNP rs2146829058, ClinGen allele CA515258870.